The following is an entry in ClinVar:

ClinVar aggregate classification (germline): Uncertain significance. Review status: criteria provided, single submitter (1 of 4 stars). 2 submissions from 2 submitters: Uncertain significance (1). 1 of the submissions does not count toward it. Last evaluated 2018-01-12.

Conditions:
INPP5E-related disorder. Also called: INPP5E-related condition.
Joubert syndrome 1 (JBTS1). Also called: Cerebellooculorenal syndrome 1; CEREBELLOPARENCHYMAL DISORDER IV. Identifiers: MedGen C4551568, MONDO:0008944, OMIM 213300.

Allele frequency attached by ClinVar (database versions not stated): gnomAD 0.00004; gnomAD exomes 0.00008; TOPMed 0.00008.
gnomAD v4.1: 26 of 407,352 alleles (0.0064%); highest among the groups gnomAD compares: Non-Finnish European, 0.0067%; no homozygotes.

Submissions (2):

Illumina Laboratory Services, Illumina
Classification: Uncertain significance for Joubert syndrome 1. Last evaluated: 2018-01-12. Review status: criteria provided, single submitter. Criteria: ICSL Variant Classification Criteria 13 December 2019. Collection method: clinical testing. Allele origin: germline.

PreventionGenetics, part of Exact Sciences
Classification: Likely benign for INPP5E-related condition. Last evaluated: 2021-12-13. Review status: no assertion criteria provided. Collection method: clinical testing. Allele origin: germline. Not counted in ClinVar's aggregate classification.
Comment: This variant is classified as likely benign based on ACMG/AMP sequence variant interpretation guidelines (Richards et al. 2015 PMID: 25741868, with internal and published modifications).

NM_019892.6(INPP5E):c.-175C>T

Gene: INPP5E (inositol polyphosphate-5-phosphatase E; minus strand). Cytogenetic location: 9q34.3.
Variant type: single nucleotide variant.
Coding change: c.-175C>T on transcript NM_019892.6 (MANE Select); 175 bases upstream of the start codon, C replaced by T.
Molecular consequence: 5 prime UTR variant.
Genome position (GRCh38, 1-based): chr9:136,439,594, G>A on the plus strand (C>T on the coding strand, the complement: INPP5E is on the minus strand). VCF-style: chr9-136439594-G-A. GRCh37 (hg19) VCF-style: chr9-139334046-G-A.
Other names: c.-175C>T (NM_019892.5, NM_001318502.2).
Identifiers: ClinVar variation 914994 (VCV000914994.6), dbSNP rs868202242, ClinGen allele CA201649738.